The following is an entry in ClinVar:

NM_199355.4(ADAMTS18):c.2480G>T (p.Arg827Leu)

Gene: ADAMTS18 (ADAM metallopeptidase with thrombospondin type 1 motif 18; minus strand). Cytogenetic location: 16q23.1.
Variant type: single nucleotide variant.
Coding change: c.2480G>T on transcript NM_199355.4 (MANE Select); coding-DNA position 2480, G replaced by T.
Protein change: p.Arg827Leu; replaces arginine 827 with leucine.
Molecular consequence: missense variant.
Genome position (GRCh38, 1-based): chr16:77,319,901, C>A on the plus strand (G>T on the coding strand, the complement: ADAMTS18 is on the minus strand). VCF-style: chr16-77319901-C-A. GRCh37 (hg19) VCF-style: chr16-77353798-C-A.
Other names: c.1964G>T, p.Arg655Leu (NM_001326358.2); short protein forms R827L, R655L.
Identifiers: ClinVar variation 851126 (VCV000851126.7), dbSNP rs149031657, ClinGen allele CA8180894.
Genomic context (GRCh38, chr16:77,319,901, plus strand): 5'-GGGCTTACTTCAAAGACCAGCGTCTCATTTGTGGGCCCTGGCGCGTACAGACGTTCCGGG[C>A]GGTTGAAAGAGCGCTGGTATTCAAACGTGGTCCCAGCGAAGGGGAACTCCCCAGGCCAGT-3'
Protein context (NP_955387.1, residues 817-837): TTFEYQRSFN[Arg827Leu]PERLYAPGPT

ClinVar aggregate classification (germline): Conflicting classifications of pathogenicity. Review status: criteria provided, conflicting classifications (1 of 4 stars). 3 submissions from 3 submitters: Uncertain significance (1); Likely benign (1). 1 of the submissions does not count toward it. Last evaluated 2024-11-22.

Conditions:
Retinal dystrophy. Also called: Inherited retinal dystrophy. Identifiers: Orphanet 71862, MedGen C0854723, MeSH D058499, MONDO:0019118, HP:0000556.

Allele frequency attached by ClinVar (database versions not stated): TOPMed 0.00047; ESP Exome Variant Server 0.00054.
gnomAD v4.1: 1,190 of 1,613,932 alleles (0.074%); highest among the groups gnomAD compares: Non-Finnish European, 0.091%; 2 homozygotes.

Submissions (3):

Blueprint Genetics
Classification: Likely benign. Last evaluated: 2024-11-22. Review status: criteria provided, single submitter. Criteria: ACMG Guidelines, 2015. Collection method: clinical testing. Allele origin: germline.

Labcorp Genetics (formerly Invitae), Labcorp
Classification: Uncertain significance. Last evaluated: 2022-09-01. Review status: criteria provided, single submitter. Criteria: Invitae Variant Classification Sherloc (09022015). Collection method: clinical testing. Allele origin: germline.
Comment: This sequence change replaces arginine, which is basic and polar, with leucine, which is neutral and non-polar, at codon 827 of the ADAMTS18 protein (p.Arg827Leu). This variant is present in population databases (rs149031657, gnomAD 0.09%), and has an allele count higher than expected for a pathogenic variant. This variant has not been reported in the literature in individuals affected with ADAMTS18-related conditions. ClinVar contains an entry for this variant (Variation ID: 851126). Algorithms developed to predict the effect of missense changes on protein structure and function output the following: SIFT: "Not Available"; PolyPhen-2: "Benign"; Align-GVGD: "Not Available". The leucine amino acid residue is found in multiple mammalian species, which suggests that this missense change does not adversely affect protein function. In summary, the available evidence is currently insufficient to determine the role of this variant in disease. Therefore, it has been classified as a Variant of Uncertain Significance.

Institute of Human Genetics, Univ. Regensburg, Univ. Regensburg
Classification: Uncertain significance for Retinal dystrophy. Last evaluated: 2023-01-01. Review status: no assertion criteria provided. Criteria: ACMG Guidelines, 2015. Collection method: clinical testing. Allele origin: germline. Affected: yes. Not counted in ClinVar's aggregate classification.